The following is an entry in ClinVar:

ClinVar aggregate classification (germline): Likely pathogenic (1 of 4 stars; one submission).

Submission:

GeneDx
Classification: Likely pathogenic. Last evaluated: 2017-06-08. Review status: criteria provided, single submitter. Criteria: GeneDx Variant Classification (06012015). Collection method: clinical testing. Allele origin: germline. Affected: yes.
Comment: The c.453+3G>C variant in the PLP1 gene has not been reported previously as a pathogenic variant nor as a benign variant, to our knowledge. This splice site variant destroys the canonical splice donor site in intron 3. It is predicted to cause abnormal gene splicing, either leading to an abnormal message that is subject to nonsense-mediated mRNA decay, or to an abnormal protein product if the message is used for protein translation. The c.453+3G>C variant is not observed in large population cohorts (Lek et al., 2016; 1000 Genomes Consortium et al., 2015; Exome Variant Server). We interpret c.453+3G>C as a likely pathogenic variant.

NM_000533.5(PLP1):c.453+3G>C

Genes: PLP1 (proteolipid protein 1; plus strand), RAB9B (RAB9B, member RAS oncogene family; minus strand). Cytogenetic location: Xq22.2.
Variant type: single nucleotide variant.
Coding change: c.453+3G>C on transcript NM_000533.5 (MANE Select); 3 bases into the intron after coding-DNA position 453, G replaced by C.
Molecular consequence: intron variant.
Genome position (GRCh38, 1-based): chrX:103,786,729, G>C. VCF-style: chrX-103786729-G-C. GRCh37 (hg19) VCF-style: chrX-103041658-G-C.
Other names: c.453+3G>C (NM_001128834.3); c.348+108G>C (NM_199478.3); c.288+3G>C (NM_001305004.1).
Identifiers: ClinVar variation 432514 (VCV000432514.2), dbSNP rs112667596, ClinGen allele CA334001177.
Genomic context (GRCh38, chrX:103,786,729, plus strand): 5'-TCATTCTTTGGAGCGGGTGTGTCATTGTTTGGGAAAATGGCTAGGACATCCCGACAAGGT[G>C]ATCATCCTCAGGATTTTGTGGCAATAACAAGGGGTGGGGGAAAATTGGGCGCGAGTCTGT-3'